The following is an entry in ClinVar:

ClinVar aggregate classification (germline): Uncertain significance (1 of 4 stars; one submission).

Conditions:
Inborn genetic diseases. Identifiers: MedGen C0950123, MeSH D030342.

Submission:

Ambry Genetics
Classification: Uncertain significance for Inborn genetic diseases. Last evaluated: 2023-05-21. Review status: criteria provided, single submitter. Criteria: Ambry Variant Classification Scheme 2023. Collection method: clinical testing. Allele origin: germline.
Comment: The p.S919G variant (also known as c.2755A>G), located in coding exon 13 of the ATR gene, results from an A to G substitution at nucleotide position 2755. The serine at codon 919 is replaced by glycine, an amino acid with similar properties. This amino acid position is conserved. In addition, this alteration is predicted to be tolerated by in silico analysis. Since supporting evidence is limited at this time, the clinical significance of this alteration remains unclear.

NM_001184.4(ATR):c.2755A>G (p.Ser919Gly)

Gene: ATR (ATR checkpoint kinase; minus strand). Cytogenetic location: 3q23.
Variant type: single nucleotide variant.
Coding change: c.2755A>G on transcript NM_001184.4 (MANE Select); coding-DNA position 2755, A replaced by G.
Protein change: p.Ser919Gly; replaces serine 919 with glycine.
Molecular consequence: missense variant.
Genome position (GRCh38, 1-based): chr3:142,553,277, T>C on the plus strand (A>G on the coding strand, the complement: ATR is on the minus strand). VCF-style: chr3-142553277-T-C. GRCh37 (hg19) VCF-style: chr3-142272119-T-C.
Other names: c.2563A>G, p.Ser855Gly (NM_001354579.2); short protein forms S919G, S855G.
Identifiers: ClinVar variation 2567836 (VCV002567836.2), dbSNP rs2473379786, ClinGen allele CA354814447.